The following is an entry in ClinVar:

ClinVar aggregate classification (germline): Uncertain significance (1 of 4 stars; one submission).

Conditions:
DICER1-related tumor predisposition. Also called: DICER1-related pleuropulmonary blastoma cancer predisposition syndrome; DICER1 syndrome. Identifiers: Orphanet 284343, MedGen C3839822, MONDO:0100216.

Submission:

Labcorp Genetics (formerly Invitae), Labcorp
Classification: Uncertain significance for DICER1-related tumor predisposition. Last evaluated: 2024-09-03. Review status: criteria provided, single submitter. Criteria: Invitae Variant Classification Sherloc (09022015). Collection method: clinical testing. Allele origin: germline.
Comment: This sequence change replaces tyrosine, which is neutral and polar, with aspartic acid, which is acidic and polar, at codon 1225 of the DICER1 protein (p.Tyr1225Asp). This variant is not present in population databases (gnomAD no frequency). This variant has not been reported in the literature in individuals affected with DICER1-related conditions. Invitae Evidence Modeling of protein sequence and biophysical properties (such as structural, functional, and spatial information, amino acid conservation, physicochemical variation, residue mobility, and thermodynamic stability) indicates that this missense variant is not expected to disrupt DICER1 protein function with a negative predictive value of 80%. In summary, the available evidence is currently insufficient to determine the role of this variant in disease. Therefore, it has been classified as a Variant of Uncertain Significance.

NM_177438.3(DICER1):c.3673T>G (p.Tyr1225Asp)

Gene: DICER1 (dicer 1, ribonuclease III; minus strand). Cytogenetic location: 14q32.13.
Variant type: single nucleotide variant.
Coding change: c.3673T>G on transcript NM_177438.3 (MANE Select); coding-DNA position 3673, T replaced by G.
Protein change: p.Tyr1225Asp; replaces tyrosine 1225 with aspartic acid.
Molecular consequence: missense variant. On other transcripts: non-coding transcript variant (6).
Genome position (GRCh38, 1-based): chr14:95,103,723, A>C on the plus strand (T>G on the coding strand, the complement: DICER1 is on the minus strand). VCF-style: chr14-95103723-A-C. GRCh37 (hg19) VCF-style: chr14-95570060-A-C.
Other names: c.3673T>G, p.Tyr1225Asp (NM_001195573.1, NM_001271282.3, NM_001291628.2 and 12 more transcripts); c.3391T>G, p.Tyr1131Asp (NM_001395686.1); c.3268T>G, p.Tyr1090Asp (NM_001395687.1, NM_001395688.1, NM_001395689.1 and 2 more transcripts); c.3106T>G, p.Tyr1036Asp (NM_001395691.1); c.1990T>G, p.Tyr664Asp (NM_001395697.1); short protein forms Y1090D, Y1131D, Y1225D, Y1036D, Y664D.
Identifiers: ClinVar variation 3664305 (VCV003664305.2).
Genomic context (GRCh38, chr14:95,103,723, plus strand): 5'-CATCAAGGTATTTATTACTCAGGAGAGTACATTCATCGCTGGGCTGGGGCTGGTTCTCGT[A>C]ACTGTATAAATTCTGAATGGAATATGAGGTAGTTGGTTGCACGGGTATTTCCTGCTTGTA-3'
Protein context (NP_803187.1, residues 1215-1235): TSYSIQNLYS[Tyr1225Asp]ENQPQPSDEC